The following is an entry in ClinVar:

NM_006070.6(TFG):c.524A>G (p.Asp175Gly)

Gene: TFG (trafficking from ER to golgi regulator; plus strand). Cytogenetic location: 3q12.2.
Variant type: single nucleotide variant.
Coding change: c.524A>G on transcript NM_006070.6 (MANE Select); coding-DNA position 524, A replaced by G.
Protein change: p.Asp175Gly; replaces aspartic acid 175 with glycine.
Molecular consequence: missense variant.
Genome position (GRCh38, 1-based): chr3:100,732,616, A>G. VCF-style: chr3-100732616-A-G. GRCh37 (hg19) VCF-style: chr3-100451460-A-G.
Other names: c.524A>G, p.Asp175Gly (NM_001007565.2, NM_001195478.2, NM_001195479.2); short protein forms D175G.
Identifiers: ClinVar variation 2932000 (VCV002932000.3), dbSNP rs2095094817, ClinGen allele CA353845318.

ClinVar aggregate classification (germline): Uncertain significance (1 of 4 stars; one submission).

Conditions:
Hereditary motor and sensory neuropathy, Okinawa type (HMSNO). Also called: HEREDITARY MOTOR AND SENSORY NEUROPATHY, PROXIMAL TYPE. Identifiers: Orphanet 90117, MedGen C1858338, MONDO:0011468, OMIM 604484.
Hereditary spastic paraplegia 57. Also called: Spastic paraplegia 57, autosomal recessive. Identifiers: Orphanet 431329, MedGen C3714897, MONDO:0014295, OMIM 615658.

Allele frequency attached by ClinVar (database versions not stated): TOPMed 0.00001.

Submission:

Labcorp Genetics (formerly Invitae), Labcorp
Classification: Uncertain significance for Hereditary motor and sensory neuropathy, Okinawa type; Hereditary spastic paraplegia 57. Last evaluated: 2024-01-13. Review status: criteria provided, single submitter. Criteria: Invitae Variant Classification Sherloc (09022015). Collection method: clinical testing. Allele origin: germline.
Comment: This sequence change replaces aspartic acid, which is acidic and polar, with glycine, which is neutral and non-polar, at codon 175 of the TFG protein (p.Asp175Gly). This variant is not present in population databases (gnomAD no frequency). This variant has not been reported in the literature in individuals affected with TFG-related conditions. Advanced modeling of protein sequence and biophysical properties (such as structural, functional, and spatial information, amino acid conservation, physicochemical variation, residue mobility, and thermodynamic stability) performed at Invitae indicates that this missense variant is not expected to disrupt TFG protein function with a negative predictive value of 80%. In summary, the available evidence is currently insufficient to determine the role of this variant in disease. Therefore, it has been classified as a Variant of Uncertain Significance.